The following is an entry in ClinVar:

ClinVar aggregate classification (germline): Uncertain significance. Review status: criteria provided, multiple submitters, no conflicts (2 of 4 stars). 2 submissions from 2 submitters: Uncertain significance (2). Last evaluated 2024-08-13.

Conditions:
Dystonia 12 (DYT12). Also called: Rapid-Onset Dystonia-Parkinsonism (RDP); DYT-ATP1A3. Identifiers: Orphanet 71517, MedGen C1868681, MONDO:0007496, OMIM 128235.

Submissions (2):

Labcorp Genetics (formerly Invitae), Labcorp
Classification: Uncertain significance for Dystonia 12. Last evaluated: 2024-08-13. Review status: criteria provided, single submitter. Criteria: Invitae Variant Classification Sherloc (09022015). Collection method: clinical testing. Allele origin: germline.
Comment: This sequence change replaces alanine, which is neutral and non-polar, with threonine, which is neutral and polar, at codon 275 of the ATP1A3 protein (p.Ala275Thr). This variant is not present in population databases (gnomAD no frequency). This variant has not been reported in the literature in individuals affected with ATP1A3-related conditions. Invitae Evidence Modeling of protein sequence and biophysical properties (such as structural, functional, and spatial information, amino acid conservation, physicochemical variation, residue mobility, and thermodynamic stability) indicates that this missense variant is expected to disrupt ATP1A3 protein function with a positive predictive value of 95%. In summary, the available evidence is currently insufficient to determine the role of this variant in disease. Therefore, it has been classified as a Variant of Uncertain Significance.

GeneDx
Classification: Uncertain significance. Last evaluated: 2023-06-28. Review status: criteria provided, single submitter. Criteria: GeneDx Variant Classification Process June 2021. Collection method: clinical testing. Allele origin: germline. Affected: yes.
Comment: Not observed at significant frequency in large population cohorts (gnomAD); In silico analysis supports that this missense variant has a deleterious effect on protein structure/function; Has not been previously published as pathogenic or benign to our knowledge

NM_152296.5(ATP1A3):c.823G>A (p.Ala275Thr)

Gene: ATP1A3 (ATPase Na+/K+ transporting subunit alpha 3; minus strand). Cytogenetic location: 19q13.2.
Variant type: single nucleotide variant.
Coding change: c.823G>A on transcript NM_152296.5 (MANE Select); coding-DNA position 823, G replaced by A.
Protein change: p.Ala275Thr; replaces alanine 275 with threonine.
Molecular consequence: missense variant.
Genome position (GRCh38, 1-based): chr19:41,985,088, C>T on the plus strand (G>A on the coding strand, the complement: ATP1A3 is on the minus strand). VCF-style: chr19-41985088-C-T. GRCh37 (hg19) VCF-style: chr19-42489240-C-T.
Other names: c.856G>A, p.Ala286Thr (NM_001256213.2); c.862G>A, p.Ala288Thr (NM_001256214.2); short protein forms A275T, A286T, A288T.
Identifiers: ClinVar variation 3342477 (VCV003342477.3).